The following is an entry in ClinVar:

ClinVar aggregate classification (germline): Uncertain significance. Review status: criteria provided, multiple submitters, no conflicts (2 of 4 stars). 2 submissions from 2 submitters: Uncertain significance (2). Last evaluated 2024-03-06.

Conditions:
Familial thoracic aortic aneurysm and aortic dissection (TAAD). Also called: Thoracic aortic aneurysms and dissections. Identifiers: Orphanet 91387, MedGen C4707243, MONDO:0019625.
Geleophysic dysplasia 2 (GPHYSD2). Identifiers: Orphanet 2623, MedGen C3280054, MONDO:0013612, OMIM 614185.
Acromicric dysplasia (ACMICD). Also called: Acromicric skeletal dysplasia. Identifiers: Orphanet 969, MedGen C0265287, MONDO:0007055, OMIM 102370.
Weill-Marchesani syndrome 2, dominant. Also called: FBN1-Related Weill-Marchesani Syndrome; Weill-Marchesani Syndrome, Autosomal Dominant. Identifiers: Orphanet 2084, MedGen C1869115, MONDO:0012013, OMIM 608328.
Marfan syndrome (MFS). Also called: Marfan syndrome type 1; Marfan's syndrome; FBN1-Related Marfan Syndrome; MARFAN SYNDROME, TYPE I; Marfan syndrome, classic. Identifiers: Orphanet 284963, Orphanet 558, MedGen C0024796, MONDO:0007947, OMIM 154700.
Ectopia lentis 1, isolated, autosomal dominant (ECTOL1). Identifiers: Orphanet 1885, MedGen C3541518, MONDO:0007514, OMIM 129600.
Progeroid and marfanoid aspect-lipodystrophy syndrome. Also called: MARFANOID-PROGEROID-LIPODYSTROPHY SYNDROME; MARFANOID-PROGEROID SYNDROME; MARFAN-PROGEROID-LIPODYSTROPHY SYNDROME; Marfan lipodystrophy syndrome. Identifiers: Orphanet 300382, MedGen C4310796, MONDO:0014831, OMIM 616914.
Stiff skin syndrome (SSKS). Identifiers: Orphanet 2833, MedGen C1861456, MONDO:0008492, OMIM 184900.
MASS syndrome (OCTD). Also called: MASS PHENOTYPE; OVERLAP CONNECTIVE TISSUE DISEASE. Identifiers: MedGen C1858556, MONDO:0011431, OMIM 604308.

Submissions (2):

Color Diagnostics, LLC DBA Color Health
Classification: Uncertain significance for Familial thoracic aortic aneurysm and aortic dissection. Last evaluated: 2024-03-06. Review status: criteria provided, single submitter. Criteria: ACMG Guidelines, 2015. Collection method: clinical testing. Allele origin: germline.
Comment: This missense variant replaces asparagine with serine at codon 2178 of the FBN1 protein. Computational prediction is inconclusive regarding the impact of this variant on protein structure and function (internally defined REVEL score threshold 0.5 < inconclusive < 0.7, PMID: 27666373). To our knowledge, functional studies have not been reported for this variant. This variant has not been reported in individuals affected with cardiovascular disorders in the literature. This variant has not been identified in the general population by the Genome Aggregation Database (gnomAD). The available evidence is insufficient to determine the role of this variant in disease conclusively. Therefore, this variant is classified as a Variant of Uncertain Significance.

Fulgent Genetics
Classification: Uncertain significance for Acromicric dysplasia; Ectopia lentis 1, isolated, autosomal dominant; Marfan syndrome; Stiff skin syndrome; MASS syndrome; Weill-Marchesani syndrome 2, dominant; Geleophysic dysplasia 2; Progeroid and marfanoid aspect-lipodystrophy syndrome. Last evaluated: 2022-03-30. Review status: criteria provided, single submitter. Criteria: ACMG Guidelines, 2015. Collection method: clinical testing. Allele origin: unknown.

NM_000138.5(FBN1):c.6533A>G (p.Asn2178Ser)

Gene: FBN1 (fibrillin 1; minus strand). Cytogenetic location: 15q21.1.
Variant type: single nucleotide variant.
Coding change: c.6533A>G on transcript NM_000138.5 (MANE Select); coding-DNA position 6533, A replaced by G.
Protein change: p.Asn2178Ser; replaces asparagine 2178 with serine.
Molecular consequence: missense variant.
Genome position (GRCh38, 1-based): chr15:48,434,677, T>C on the plus strand (A>G on the coding strand, the complement: FBN1 is on the minus strand). VCF-style: chr15-48434677-T-C. GRCh37 (hg19) VCF-style: chr15-48726874-T-C.
Other names: short protein forms N2178S.
Identifiers: ClinVar variation 1332324 (VCV001332324.4), dbSNP rs2141237126, ClinGen allele CA392335111.
Genomic context (GRCh38, chr15:48,434,677, plus strand): 5'-GGCTCAAATCCCTCCTCGCAGGTGCATTCAAAACCTCCAATCACATTCTTGCAGGTTCCA[T>C]TTCCACAAGGATTGCCAACAGAACATTCATCAGTATCTGCAAGAAACCAGGAATGTGTCC-3'
Protein context (NP_000129.3, residues 2168-2188): DECSVGNPCG[Asn2178Ser]GTCKNVIGGF